The following is an entry in ClinVar:

NM_000719.7(CACNA1C):c.6368C>T (p.Pro2123Leu)

Genes: CACNA1C (calcium voltage-gated channel subunit alpha1 C; plus strand), CACNA1C-AS1 (CACNA1C antisense RNA 1; minus strand). Cytogenetic location: 12p13.33.
Variant type: single nucleotide variant.
Coding change: c.6368C>T on transcript NM_000719.7 (MANE Select); coding-DNA position 6368, C replaced by T.
Protein change: p.Pro2123Leu; replaces proline 2123 with leucine.
Molecular consequence: missense variant. On other transcripts: non-coding transcript variant (1).
Genome position (GRCh38, 1-based): chr12:2,691,150, C>T. VCF-style: chr12-2691150-C-T. GRCh37 (hg19) VCF-style: chr12-2800316-C-T.
Other names: c.6368C>T, p.Pro2123Leu (NM_001129840.2, NM_001129841.2, NM_001129842.2 and 2 more transcripts); c.6359C>T, p.Pro2120Leu (NM_001129844.2); c.6335C>T, p.Pro2112Leu (NM_001129846.2); c.6473C>T, p.Pro2158Leu (NM_001167624.3, NM_001129830.3); c.6548C>T, p.Pro2183Leu (NM_001167625.2); c.6617C>T, p.Pro2206Leu (NM_199460.4); c.6452C>T, p.Pro2151Leu (NM_001129831.2); c.6428C>T, p.Pro2143Leu (NM_001129832.2); and 6 more; short protein forms P2112L, P2120L, P2123L, P2129L, P2131L, P2140L, P2142L, P2143L.
Identifiers: ClinVar variation 3605783 (VCV003605783.2).

ClinVar aggregate classification (germline): Uncertain significance (1 of 4 stars; one submission).

Conditions:
Long QT syndrome (LQTS). Identifiers: MedGen C0023976, MeSH D008133, MONDO:0002442. Disease mechanism: loss of function. Inheritance: Various modes of inheritance.

gnomAD v4.1: 2 of 1,605,890 alleles (0.00012%); highest among the groups gnomAD compares: South Asian, 0.0011%; no homozygotes.

Submission:

Labcorp Genetics (formerly Invitae), Labcorp
Classification: Uncertain significance for Long QT syndrome. Last evaluated: 2024-06-18. Review status: criteria provided, single submitter. Criteria: Invitae Variant Classification Sherloc (09022015). Collection method: clinical testing. Allele origin: germline.
Comment: This sequence change replaces proline, which is neutral and non-polar, with leucine, which is neutral and non-polar, at codon 2123 of the CACNA1C protein (p.Pro2123Leu). This variant is not present in population databases (gnomAD no frequency). This variant has not been reported in the literature in individuals affected with CACNA1C-related conditions. Advanced modeling of protein sequence and biophysical properties (such as structural, functional, and spatial information, amino acid conservation, physicochemical variation, residue mobility, and thermodynamic stability) performed at Invitae indicates that this missense variant is not expected to disrupt CACNA1C protein function with a negative predictive value of 95%. In summary, the available evidence is currently insufficient to determine the role of this variant in disease. Therefore, it has been classified as a Variant of Uncertain Significance.